The following is an entry in ClinVar:

ClinVar aggregate classification (germline): Uncertain significance (1 of 4 stars; one submission).

Conditions:
Congenital disorder of glycosylation type 1E (CDG1E). Also called: CDG Ie; CONGENITAL DISORDER OF GLYCOSYLATION, TYPE Ie. Identifiers: Orphanet 79322, MedGen C1837396, MONDO:0012123, OMIM 608799.

Submission:

Labcorp Genetics (formerly Invitae), Labcorp
Classification: Uncertain significance for Congenital disorder of glycosylation type 1E. Last evaluated: 2022-08-05. Review status: criteria provided, single submitter. Criteria: Invitae Variant Classification Sherloc (09022015). Collection method: clinical testing. Allele origin: germline.
Comment: This sequence change affects codon 133 of the DPM1 mRNA. It is a 'silent' change, meaning that it does not change the encoded amino acid sequence of the DPM1 protein. It affects a nucleotide within the consensus splice site. In summary, the available evidence is currently insufficient to determine the role of this variant in disease. Therefore, it has been classified as a Variant of Uncertain Significance. Algorithms developed to predict the effect of sequence changes on RNA splicing suggest that this variant is not likely to affect RNA splicing. This variant has not been reported in the literature in individuals affected with DPM1-related conditions. This variant is not present in population databases (gnomAD no frequency).

NM_003859.3(DPM1):c.397A>C (p.Arg133=)

Gene: DPM1 (dolichyl-phosphate mannosyltransferase subunit 1, catalytic; minus strand). Cytogenetic location: 20q13.13.
Variant type: single nucleotide variant.
Coding change: c.397A>C on transcript NM_003859.3 (MANE Select); coding-DNA position 397, A replaced by C.
Protein change: p.Arg133=; no amino-acid change (arginine 133 retained).
Molecular consequence: synonymous variant. On other transcripts: non-coding transcript variant (1).
Genome position (GRCh38, 1-based): chr20:50,945,738, T>G on the plus strand (A>C on the coding strand, the complement: DPM1 is on the minus strand). VCF-style: chr20-50945738-T-G. GRCh37 (hg19) VCF-style: chr20-49562275-T-G.
Other names: c.397A>C, p.Arg133= (NM_001317034.1, NM_001317035.1, NM_001317036.1).
Identifiers: ClinVar variation 2002305 (VCV002002305.4), dbSNP rs2515723325, ClinGen allele CA408989561.